The following is an entry in ClinVar:

NM_001039591.3(USP9X):c.3707T>G (p.Ile1236Ser)

Gene: USP9X (ubiquitin specific peptidase 9 X-linked; plus strand). Cytogenetic location: Xp11.4.
Variant type: single nucleotide variant.
Coding change: c.3707T>G on transcript NM_001039591.3 (MANE Select); coding-DNA position 3707, T replaced by G.
Protein change: p.Ile1236Ser; replaces isoleucine 1236 with serine.
Molecular consequence: missense variant.
Genome position (GRCh38, 1-based): chrX:41,188,014, T>G. VCF-style: chrX-41188014-T-G. GRCh37 (hg19) VCF-style: chrX-41047267-T-G.
Other names: c.3707T>G, p.Ile1236Ser (NM_001039590.3); short protein forms I1236S.
Identifiers: ClinVar variation 1314087 (VCV001314087.2), dbSNP rs2147167940, ClinGen allele CA412768527.

ClinVar aggregate classification (germline): Uncertain significance (1 of 4 stars; one submission).

Submission:

GeneDx
Classification: Uncertain significance. Last evaluated: 2021-01-29. Review status: criteria provided, single submitter. Criteria: GeneDx Variant Classification Process June 2021. Collection method: clinical testing. Allele origin: germline. Affected: yes.
Comment: Not observed in large population cohorts (Lek et al., 2016); In silico analysis supports that this missense variant has a deleterious effect on protein structure/function; Has not been previously published as pathogenic or benign to our knowledge